The following is an entry in ClinVar:

ClinVar aggregate classification (germline): Uncertain significance (1 of 4 stars; one submission).

Conditions:
Autosomal dominant epilepsy with auditory features. Identifiers: Orphanet 101046, MedGen C1838062, MONDO:0010898.

Submission:

Labcorp Genetics (formerly Invitae), Labcorp
Classification: Uncertain significance for Autosomal dominant epilepsy with auditory features. Last evaluated: 2022-08-16. Review status: criteria provided, single submitter. Criteria: Invitae Variant Classification Sherloc (09022015). Collection method: clinical testing. Allele origin: germline.
Comment: This variant is not present in population databases (gnomAD no frequency). In summary, the available evidence is currently insufficient to determine the role of this variant in disease. Therefore, it has been classified as a Variant of Uncertain Significance. Algorithms developed to predict the effect of missense changes on protein structure and function are either unavailable or do not agree on the potential impact of this missense change (SIFT: "Tolerated"; PolyPhen-2: "Possibly Damaging"; Align-GVGD: "Class C0"). ClinVar contains an entry for this variant (Variation ID: 1022265). This variant has not been reported in the literature in individuals affected with LGI1-related conditions. This sequence change replaces leucine, which is neutral and non-polar, with isoleucine, which is neutral and non-polar, at codon 517 of the LGI1 protein (p.Leu517Ile).

NM_005097.4(LGI1):c.1549T>A (p.Leu517Ile)

Gene: LGI1 (leucine rich glioma inactivated 1; plus strand). Cytogenetic location: 10q23.33.
Variant type: single nucleotide variant.
Coding change: c.1549T>A on transcript NM_005097.4 (MANE Select); coding-DNA position 1549, T replaced by A.
Protein change: p.Leu517Ile; replaces leucine 517 with isoleucine.
Molecular consequence: missense variant. On other transcripts: non-coding transcript variant (1), intron variant (1).
Genome position (GRCh38, 1-based): chr10:93,797,678, T>A. VCF-style: chr10-93797678-T-A. GRCh37 (hg19) VCF-style: chr10-95557435-T-A.
Other names: c.1405T>A, p.Leu469Ile (NM_001308276.2); c.839-71T>A (NM_001308275.2); short protein forms L469I, L517I.
Identifiers: ClinVar variation 1022265 (VCV001022265.10), dbSNP rs2059992788, ClinGen allele CA377629977.